The following is an entry in ClinVar:

NM_004530.6(MMP2):c.473G>A (p.Arg158Gln)

Gene: MMP2 (matrix metallopeptidase 2; plus strand). Cytogenetic location: 16q12.2.
Variant type: single nucleotide variant.
Coding change: c.473G>A on transcript NM_004530.6 (MANE Select); coding-DNA position 473, G replaced by A.
Protein change: p.Arg158Gln; replaces arginine 158 with glutamine.
Molecular consequence: missense variant.
Genome position (GRCh38, 1-based): chr16:55,484,108, G>A. VCF-style: chr16-55484108-G-A. GRCh37 (hg19) VCF-style: chr16-55518020-G-A.
Other names: c.323G>A, p.Arg108Gln (NM_001127891.3); c.245G>A, p.Arg82Gln (NM_001302508.1, NM_001302509.2, NM_001302510.2); short protein forms R108Q, R82Q, R158Q.
Identifiers: ClinVar variation 2176148 (VCV002176148.2), dbSNP rs368486758, ClinGen allele CA8060095.
Genomic context (GRCh38, chr16:55,484,108, plus strand): 5'-AGACAGTGGATGATGCCTTTGCTCGTGCCTTCCAAGTCTGGAGCGATGTGACCCCACTGC[G>A]GTTTTCTCGAATCCATGATGGAGAGGCAGACATCATGATCAACTTTGGCCGCTGGGGTAG-3'
Protein context (NP_004521.1, residues 148-168): FQVWSDVTPL[Arg158Gln]FSRIHDGEAD

ClinVar aggregate classification (germline): Uncertain significance (1 of 4 stars; one submission).

Allele frequency attached by ClinVar (database versions not stated): ExAC 0.00002; gnomAD 0.00005; TOPMed 0.00007; ESP Exome Variant Server 0.00008.
gnomAD v4.1: 79 of 1,614,056 alleles (0.0049%); highest among the groups gnomAD compares: African/African-American, 0.011%; no homozygotes.

Submission:

Labcorp Genetics (formerly Invitae), Labcorp
Classification: Uncertain significance. Last evaluated: 2022-08-04. Review status: criteria provided, single submitter. Criteria: Invitae Variant Classification Sherloc (09022015). Collection method: clinical testing. Allele origin: germline.
Comment: In summary, the available evidence is currently insufficient to determine the role of this variant in disease. Therefore, it has been classified as a Variant of Uncertain Significance. Algorithms developed to predict the effect of missense changes on protein structure and function output the following: SIFT: "Tolerated"; PolyPhen-2: "Benign"; Align-GVGD: "Class C0". The glutamine amino acid residue is found in multiple mammalian species, which suggests that this missense change does not adversely affect protein function. This variant has not been reported in the literature in individuals affected with MMP2-related conditions. This variant is present in population databases (rs368486758, gnomAD 0.02%). This sequence change replaces arginine, which is basic and polar, with glutamine, which is neutral and polar, at codon 158 of the MMP2 protein (p.Arg158Gln).